The following is an entry in ClinVar:

ClinVar aggregate classification (germline): Uncertain significance (1 of 4 stars; one submission).

Conditions:
Epileptic encephalopathy. Identifiers: MedGen C0543888, HP:0200134.

Submission:

Labcorp Genetics (formerly Invitae), Labcorp
Classification: Uncertain significance for Epileptic encephalopathy. Last evaluated: 2018-07-15. Review status: criteria provided, single submitter. Criteria: Invitae Variant Classification Sherloc (09022015). Collection method: clinical testing. Allele origin: germline.
Comment: In summary, the available evidence is currently insufficient to determine the role of this variant in disease. Therefore, it has been classified as a Variant of Uncertain Significance. This variant, c.5335_5358dup, results in the insertion of 8 amino acids to the RYR3 protein (p.Val1779_Gly1786dup), but otherwise preserves the integrity of the reading frame. This variant is not present in population databases (ExAC no frequency). This variant has not been reported in the literature in individuals with RYR3-related disease. Experimental studies and prediction algorithms are not available for this variant, and the functional significance of the duplicated amino acids is currently unknown.

NM_001036.6(RYR3):c.5335_5358dup (p.Val1779_Gly1786dup)

Gene: RYR3 (ryanodine receptor 3; plus strand). Cytogenetic location: 15q14.
Variant type: Duplication.
Coding change: c.5335_5358dup on transcript NM_001036.6 (MANE Select); coding-DNA positions 5335 to 5358, 24 bases duplicated (GTGGAGGCTGGGGAGAAGGCCGGC).
Protein change: p.Val1779_Gly1786dup.
Molecular consequence: inframe insertion.
Genome position (GRCh38, 1-based): chr15:33,662,865-33,662,888, GTGGAGGCTGGGGAGAAGGCCGGC duplicated. VCF-style (leftmost placement, unchanged base first): chr15-33662864-T-TGTGGAGGCTGGGGAGAAGGCCGGC. GRCh37 (hg19) VCF-style: chr15-33955065-T-TGTGGAGGCTGGGGAGAAGGCCGGC.
Other names: c.5335_5358dup, p.Val1779_Gly1786dup (NM_001243996.4).
Identifiers: ClinVar variation 664967 (VCV000664967.8), dbSNP rs1596036055, ClinGen allele CA915946498.
Genomic context (GRCh38, chr15:33,662,864, plus strand): 5'-TAGTGCGGGGACAGAGGAGGGAGCAGAAAAGGAGGAAGTGACCCAGGTGGAGGAGAAGGC[T>TGTGGAGGCTGGGGAGAAGGCCGGC]GTGGAGGCTGGGGAGAAGGCCGGCAAGGAGGCTCCTGTCAAAGGCTTGTTGCAGACTCGA-3'